The following is an entry in ClinVar:

ClinVar aggregate classification (germline): Likely benign. Review status: criteria provided, single submitter (1 of 4 stars). 2 submissions from 2 submitters: Likely benign (1). 1 of the submissions does not count toward it. Last evaluated 2025-05-22.

Conditions:
PIGL-related disorder. Also called: PIGL-related condition.

Allele frequency attached by ClinVar (database versions not stated): TOPMed 0.00096; gnomAD 0.00100 and 0.00093; gnomAD exomes 0.00019; ExAC 0.00026; ESP Exome Variant Server 0.00123; 1000 Genomes Project 30x 0.00078; 1000 Genomes Project 0.00080.
gnomAD v4.1: 268 of 1,613,930 alleles (0.017%); highest among the groups gnomAD compares: African/African-American, 0.3%; 1 homozygote.

Submissions (2):

Labcorp Genetics (formerly Invitae), Labcorp
Classification: Likely benign. Last evaluated: 2025-05-22. Review status: criteria provided, single submitter. Criteria: Invitae Variant Classification Sherloc (09022015). Collection method: clinical testing. Allele origin: germline.

PreventionGenetics, part of Exact Sciences
Classification: Likely benign for PIGL-related condition. Last evaluated: 2022-12-20. Review status: no assertion criteria provided. Collection method: clinical testing. Allele origin: germline. Not counted in ClinVar's aggregate classification.
Comment: This variant is classified as likely benign based on ACMG/AMP sequence variant interpretation guidelines (Richards et al. 2015 PMID: 25741868, with internal and published modifications).

NM_004278.4(PIGL):c.704G>A (p.Arg235His)

Gene: PIGL (phosphatidylinositol glycan anchor biosynthesis class L; plus strand). Cytogenetic location: 17p11.2.
Variant type: single nucleotide variant.
Coding change: c.704G>A on transcript NM_004278.4 (MANE Select); coding-DNA position 704, G replaced by A.
Protein change: p.Arg235His; replaces arginine 235 with histidine.
Molecular consequence: missense variant.
Genome position (GRCh38, 1-based): chr17:16,325,843, G>A. VCF-style: chr17-16325843-G-A. GRCh37 (hg19) VCF-style: chr17-16229157-G-A.
Other names: c.704G>A (NM_004278.3); short protein forms R235H.
Identifiers: ClinVar variation 1039621 (VCV001039621.7), dbSNP rs115504867, ClinGen allele CA8410040.